The following is an entry in ClinVar:

ClinVar aggregate classification (germline): Benign/Likely benign. Review status: criteria provided, multiple submitters, no conflicts (2 of 4 stars). 6 submissions from 6 submitters: Benign (4); Likely benign (1). 1 of the submissions does not count toward it. Last evaluated 2026-01-04.

Conditions:
VPS13D-related disorder. Also called: VPS13D-related condition.

Allele frequency attached by ClinVar (database versions not stated): 1000 Genomes Project 30x 0.00172; 1000 Genomes Project 0.00180; gnomAD 0.00232 and 0.00235; ExAC 0.00246; TOPMed 0.00249; ESP Exome Variant Server 0.00284; gnomAD exomes 0.00288 and 0.00309.
gnomAD v4.1: 4,896 of 1,614,148 alleles (0.3%); highest among the groups gnomAD compares: Middle Eastern, 0.66%; 12 homozygotes.

Submissions (6):

Labcorp Genetics (formerly Invitae), Labcorp
Classification: Benign. Last evaluated: 2026-01-04. Review status: criteria provided, single submitter. Criteria: Invitae Variant Classification Sherloc (09022015). Collection method: clinical testing. Allele origin: germline.

Blueprint Genetics
Classification: Likely benign. Last evaluated: 2024-11-26. Review status: criteria provided, single submitter. Criteria: ACMG Guidelines, 2015. Collection method: clinical testing. Allele origin: germline.

CeGaT Center for Human Genetics Tuebingen
Classification: Benign. Last evaluated: 2024-07-01. Review status: criteria provided, single submitter. Criteria: CeGaT Center For Human Genetics Tuebingen Variant Classification Criteria Version 2. Collection method: clinical testing. Allele origin: germline. Affected: yes. Observed: 3 variant alleles.
Comment: VPS13D: BP4, BS1, BS2

Mayo Clinic Laboratories, Mayo Clinic
Classification: Benign. Last evaluated: 2023-06-01. Review status: criteria provided, single submitter. Criteria: ACMG Guidelines, 2015. Collection method: clinical testing. Allele origin: germline. Observed: 16 variant alleles.
Comment: BS1, BS2, BP4

Breakthrough Genomics
Classification: Benign. Review status: criteria provided, single submitter. Criteria: ACMG Guidelines, 2015. Collection method: not provided. Allele origin: germline. Inheritance: Autosomal recessive inheritance. Affected: yes.

PreventionGenetics, part of Exact Sciences
Classification: Benign for VPS13D-related condition. Last evaluated: 2019-05-17. Review status: no assertion criteria provided. Collection method: clinical testing. Allele origin: germline. Not counted in ClinVar's aggregate classification.
Comment: This variant is classified as benign based on ACMG/AMP sequence variant interpretation guidelines (Richards et al. 2015 PMID: 25741868, with internal and published modifications).

NM_015378.4(VPS13D):c.613A>G (p.Ile205Val)

Gene: VPS13D (vacuolar protein sorting 13 homolog D; plus strand). Cytogenetic location: 1p36.22.
Variant type: single nucleotide variant.
Coding change: c.613A>G on transcript NM_015378.4 (MANE Select); coding-DNA position 613, A replaced by G.
Protein change: p.Ile205Val; replaces isoleucine 205 with valine.
Molecular consequence: missense variant.
Genome position (GRCh38, 1-based): chr1:12,253,770, A>G. VCF-style: chr1-12253770-A-G. GRCh37 (hg19) VCF-style: chr1-12313827-A-G.
Other names: p.Ile205Val; c.613A>G, p.Ile205Val (NM_018156.4); c.613A>G (NM_015378.3); short protein forms I205V.
Identifiers: ClinVar variation 1541963 (VCV001541963.35), dbSNP rs61774897, ClinGen allele CA601267.